The following is an entry in ClinVar:

ClinVar aggregate classification (germline): Uncertain significance. Review status: criteria provided, multiple submitters, no conflicts (2 of 4 stars). 2 submissions from 2 submitters: Uncertain significance (2). Last evaluated 2024-09-30.

Conditions:
Inborn genetic diseases. Identifiers: MedGen C0950123, MeSH D030342.
MHC class I deficiency. Identifiers: Orphanet 34592, MedGen C6024714, MONDO:0011476.

Allele frequency attached by ClinVar (database versions not stated): gnomAD 0.00003 and 0.00002; TOPMed 0.00003; 1000 Genomes Project 0.00020; 1000 Genomes Project 30x 0.00031; gnomAD exomes 0.00003 and 0.00002; ExAC 0.00001.
gnomAD v4.1: 44 of 1,614,144 alleles (0.0027%); highest among the groups gnomAD compares: Admixed American, 0.018%; no homozygotes.

Submissions (2):

Ambry Genetics
Classification: Uncertain significance for Inborn genetic diseases. Last evaluated: 2024-09-30. Review status: criteria provided, single submitter. Criteria: Ambry Variant Classification Scheme 2023. Collection method: clinical testing. Allele origin: germline.

Labcorp Genetics (formerly Invitae), Labcorp
Classification: Uncertain significance for MHC class I deficiency 1. Last evaluated: 2021-09-01. Review status: criteria provided, single submitter. Criteria: Invitae Variant Classification Sherloc (09022015). Collection method: clinical testing. Allele origin: germline.
Comment: This sequence change replaces aspartic acid with asparagine at codon 567 of the TAP1 protein (p.Asp567Asn). The aspartic acid residue is moderately conserved and there is a small physicochemical difference between aspartic acid and asparagine. This variant is present in population databases (rs200865723, ExAC 0.009%). This variant has not been reported in the literature in individuals affected with TAP1-related conditions. Algorithms developed to predict the effect of missense changes on protein structure and function output the following: SIFT: "Deleterious"; PolyPhen-2: "Benign"; Align-GVGD: "Class C0". The asparagine amino acid residue is found in multiple mammalian species, which suggests that this missense change does not adversely affect protein function. In summary, the available evidence is currently insufficient to determine the role of this variant in disease. Therefore, it has been classified as a Variant of Uncertain Significance.

NM_000593.6(TAP1):c.1519G>A (p.Asp507Asn)

Gene: TAP1 (transporter 1, ATP binding cassette subfamily B member; minus strand). Cytogenetic location: 6p21.32.
Variant type: single nucleotide variant.
Coding change: c.1519G>A on transcript NM_000593.6 (MANE Select); coding-DNA position 1519, G replaced by A.
Protein change: p.Asp507Asn; replaces aspartic acid 507 with asparagine.
Molecular consequence: missense variant.
Genome position (GRCh38, 1-based): chr6:32,848,699, C>T on the plus strand (G>A on the coding strand, the complement: TAP1 is on the minus strand). VCF-style: chr6-32848699-C-T. GRCh37 (hg19) VCF-style: chr6-32816476-C-T.
Other names: c.916G>A, p.Asp306Asn (NM_001292022.2); short protein forms D567N, D306N, D507N.
Identifiers: ClinVar variation 579991 (VCV000579991.7), dbSNP rs200865723, ClinGen allele CA3746766.